The following is an entry in ClinVar:

ClinVar aggregate classification (germline): Uncertain significance (1 of 4 stars; one submission).

Conditions:
ERCC2-related disorder. Also called: ERCC2-related disorders; ERCC2-related conditions; ERCC2-related condition. Identifiers: MedGen CN239291.

gnomAD v4.1: 7 of 1,613,762 alleles (0.00043%); highest among the groups gnomAD compares: Non-Finnish European, 0.00059%; no homozygotes.

Submission:

Myriad Genetics, Inc.
Classification: Uncertain significance for ERCC2-related disorder. Last evaluated: 2026-04-14. Review status: criteria provided, single submitter. Criteria: Myriad Autosomal Dominant, Autosomal Recessive and X-Linked Classification Criteria (2023). Collection method: clinical testing. Allele origin: unknown.
Comment: NM_000400.3(ERCC2):c.2283A>T(*761Cext*7) is a stop-loss variant classified as a variant of uncertain significance in the context of ERCC2-related disorders. *761Cext*7 has not been observed in cases with relevant disease. Relevant functional assessments of this variant are not available in the literature. *761Cext*7 has been observed in referenced population frequency databases. In summary, there is insufficient evidence to classify NM_000400.3(ERCC2):c.2283A>T(*761Cext*7) as pathogenic or benign. Please note: this variant was assessed in the context of healthy population screening.

NM_000400.4(ERCC2):c.2283A>T (p.Ter761Cys)

Gene: ERCC2 (ERCC excision repair 2, TFIIH core complex helicase subunit; minus strand). Cytogenetic location: 19q13.32.
Variant type: single nucleotide variant.
Coding change: c.2283A>T on transcript NM_000400.4 (MANE Select); coding-DNA position 2283, A replaced by T.
Protein change: p.Ter761Cys.
Molecular consequence: stop lost. On other transcripts: non-coding transcript variant (3).
Genome position (GRCh38, 1-based): chr19:45,351,629, T>A on the plus strand (A>T on the coding strand, the complement: ERCC2 is on the minus strand). VCF-style: chr19-45351629-T-A. GRCh37 (hg19) VCF-style: chr19-45854887-T-A.
Other names: c.2211A>T, p.Ter737Cys (NM_001440355.1); c.2205A>T, p.Ter735Cys (NM_001440356.1); c.2160A>T, p.Ter720Cys (NM_001440357.1).
Identifiers: ClinVar variation 5003967 (VCV005003967.1).